The following is an entry in ClinVar:

ClinVar aggregate classification (germline): Uncertain significance (1 of 4 stars; one submission).

Conditions:
Hypertrophic cardiomyopathy 19. Also called: Familial hypertrophic cardiomyopathy 19. Identifiers: MedGen CN077603, MONDO:0013476.

Submission:

Labcorp Genetics (formerly Invitae), Labcorp
Classification: Uncertain significance for Hypertrophic cardiomyopathy 19. Last evaluated: 2025-05-01. Review status: criteria provided, single submitter. Criteria: Invitae Variant Classification Sherloc (09022015). Collection method: clinical testing. Allele origin: germline.
Comment: This sequence change replaces serine, which is neutral and polar, with threonine, which is neutral and polar, at codon 309 of the CALR3 protein (p.Ser309Thr). This variant is not present in population databases (gnomAD no frequency). This variant has not been reported in the literature in individuals affected with CALR3-related conditions. Invitae Evidence Modeling of protein sequence and biophysical properties (such as structural, functional, and spatial information, amino acid conservation, physicochemical variation, residue mobility, and thermodynamic stability) indicates that this missense variant is not expected to disrupt CALR3 protein function with a negative predictive value of 80%. In summary, the available evidence is currently insufficient to determine the role of this variant in disease. Therefore, it has been classified as a Variant of Uncertain Significance.

NM_145046.5(CALR3):c.925T>A (p.Ser309Thr)

Gene: CALR3 (calreticulin 3; minus strand). Cytogenetic location: 19p13.11.
Variant type: single nucleotide variant.
Coding change: c.925T>A on transcript NM_145046.5 (MANE Select); coding-DNA position 925, T replaced by A.
Protein change: p.Ser309Thr; replaces serine 309 with threonine.
Molecular consequence: missense variant.
Genome position (GRCh38, 1-based): chr19:16,480,700, A>T on the plus strand (T>A on the coding strand, the complement: CALR3 is on the minus strand). VCF-style: chr19-16480700-A-T. GRCh37 (hg19) VCF-style: chr19-16591511-A-T.
Other names: short protein forms S309T.
Identifiers: ClinVar variation 4804214 (VCV004804214.1).
Genomic context (GRCh38, chr19:16,480,700, plus strand): 5'-CAAAATTATCTGCGTACTCTTCATCATCTGTGATCAGAAAGTTATCAAAAATGGTTCCAG[A>T]TCTCACCTGCAGATGAAAATAAGGCCTTCATTATTATGCTTTTATTCTTTATTATTTGTT-3'
Protein context (NP_659483.2, residues 299-319): AIGLELWQVR[Ser309Thr]GTIFDNFLIT